The following is an entry in ClinVar:

ClinVar aggregate classification (germline): Benign (1 of 4 stars; one submission).

Allele frequency attached by ClinVar (database versions not stated): gnomAD exomes 0.94026; gnomAD 0.95473; TOPMed 0.96157; 1000 Genomes Project 0.97943; 1000 Genomes Project 30x 0.98064.
gnomAD v4.1: 872,004 of 924,962 alleles (94%); highest among the groups gnomAD compares: East Asian, 100%; 411,342 homozygotes.

Submission:

Unidad de Genómica Garrahan, Hospital de Pediatría Garrahan
Classification: Benign. Last evaluated: 2023-11-12. Review status: criteria provided, single submitter. Criteria: ACMG Guidelines, 2015. Collection method: clinical testing. Allele origin: germline. Affected: no. Observed: 73 variant alleles.
Comment: This variant is classified as Benign based on local population frequency. This variant was detected in 76% of patients studied by a panel of primary immunodeficiencies. Number of patients: 73. Only high quality variants are reported.

NM_001282225.2(ADA2):c.753+98T>C

Gene: ADA2 (adenosine deaminase 2; minus strand). Cytogenetic location: 22q11.1.
Variant type: single nucleotide variant.
Coding change: c.753+98T>C on transcript NM_001282225.2 (MANE Select); 98 bases into the intron after coding-DNA position 753, T replaced by C.
Molecular consequence: intron variant.
Genome position (GRCh38, 1-based): chr22:17,203,465, A>G on the plus strand (T>C on the coding strand, the complement: ADA2 is on the minus strand). VCF-style: chr22-17203465-A-G. GRCh37 (hg19) VCF-style: chr22-17684355-A-G.
Other names: c.627+98T>C (NM_001282227.2, NM_001282228.2); c.393+98T>C (NM_001282229.2); c.753+98T>C (NM_001282226.2).
Identifiers: ClinVar variation 2628118 (VCV002628118.2), dbSNP rs5747022, ClinGen allele CA321162647.